The following is an entry in ClinVar:

ClinVar aggregate classification (germline): Uncertain significance (1 of 4 stars; one submission).

gnomAD v4.1: 1 of 1,522,444 alleles (0.000066%); highest among the groups gnomAD compares: Non-Finnish European, 0.000088%; no homozygotes.

Submission:

Ambry Genetics
Classification: Uncertain significance. Last evaluated: 2024-12-23. Review status: criteria provided, single submitter. Criteria: Ambry Variant Classification Scheme 2023. Collection method: clinical testing. Allele origin: germline.
Comment: The p.T1447P variant (also known as c.4339A>C), located in coding exon 14 of the CDK12 gene, results from an A to C substitution at nucleotide position 4339. The threonine at codon 1447 is replaced by proline, an amino acid with highly similar properties. This amino acid position is conserved. In addition, this alteration is predicted to be tolerated by in silico analysis. Based on the available evidence, the clinical significance of this variant remains unclear.

NM_016507.4(CDK12):c.4339A>C (p.Thr1447Pro)

Gene: CDK12 (cyclin dependent kinase 12; plus strand). Cytogenetic location: 17q12.
Variant type: single nucleotide variant.
Coding change: c.4339A>C on transcript NM_016507.4 (MANE Select); coding-DNA position 4339, A replaced by C.
Protein change: p.Thr1447Pro; replaces threonine 1447 with proline.
Molecular consequence: missense variant.
Genome position (GRCh38, 1-based): chr17:39,531,182, A>C. VCF-style: chr17-39531182-A-C. GRCh37 (hg19) VCF-style: chr17-37687435-A-C.
Other names: c.4312A>C, p.Thr1438Pro (NM_015083.4); short protein forms T1447P, T1438P.
Identifiers: ClinVar variation 3830406 (VCV003830406.1).